The following is an entry in ClinVar:

ClinVar aggregate classification (germline): Pathogenic/Likely pathogenic. Review status: criteria provided, multiple submitters, no conflicts (2 of 4 stars). 3 submissions from 3 submitters: Pathogenic (2); Likely pathogenic (1). Last evaluated 2025-10-27.

Conditions:
Hereditary spastic paraplegia 49 (HSAN9). Also called: NEUROPATHY, HEREDITARY SENSORY AND AUTONOMIC, TYPE IX, WITH DEVELOPMENTAL DELAY; TECPR2-Related Hereditary Sensory and Autonomic Neuropathy with Intellectual Disability; Spastic paraplegia 49, autosomal recessive. Identifiers: Orphanet 320385, MedGen C5190860, MONDO:0014016, OMIM 615031.

Allele frequency attached by ClinVar (database versions not stated): gnomAD exomes below 0.00001 and 0.00001.

Submissions (3):

Variantyx, Inc.
Classification: Likely pathogenic for Hereditary spastic paraplegia 49. Last evaluated: 2025-10-27. Review status: criteria provided, single submitter. Criteria: Variantyx Assertion Criteria 2022. Collection method: clinical testing. Allele origin: germline. Inheritance: Autosomal recessive inheritance. Affected: yes.
Comment: This is a frameshift variant in the TECPR2 gene (OMIM: 615000). Pathogenic variants in this gene have been associated with autosomal recessive hereditary sensory and autonomic neuropathy type IX with developmental delay (OMIM: 615031). This variant introduces a premature termination codon in exon 10 out of 20 and is expected to result in loss of function, which is a known disease mechanism for TECPR2 in this disorder (PVS1) (PMID: 36137062). This variant has a 0.0033% maximum allele frequency in non-founder control populations (PM2). Based on the current evidence, this variant is classified as likely pathogenic for autosomal recessive hereditary sensory and autonomic neuropathy type IX with developmental delay.

Labcorp Genetics (formerly Invitae), Labcorp
Classification: Pathogenic for Hereditary spastic paraplegia 49. Last evaluated: 2023-12-14. Review status: criteria provided, single submitter. Criteria: Invitae Variant Classification Sherloc (09022015). Collection method: clinical testing. Allele origin: germline.
Comment: This sequence change creates a premature translational stop signal (p.Cys834Valfs*16) in the TECPR2 gene. It is expected to result in an absent or disrupted protein product. Loss-of-function variants in TECPR2 are known to be pathogenic (PMID: 23176824, 25590979). This variant is present in population databases (no rsID available, gnomAD 0.006%). This variant has not been reported in the literature in individuals affected with TECPR2-related conditions. ClinVar contains an entry for this variant (Variation ID: 503675). For these reasons, this variant has been classified as Pathogenic.

GeneDx
Classification: Pathogenic. Last evaluated: 2023-07-18. Review status: criteria provided, single submitter. Criteria: GeneDx Variant Classification Process June 2021. Collection method: clinical testing. Allele origin: germline. Affected: yes.
Comment: Frameshift variant predicted to result in protein truncation or nonsense mediated decay in a gene for which loss of function is a known mechanism of disease; Not observed at significant frequency in large population cohorts (gnomAD); Has not been previously published as pathogenic or benign to our knowledge

Literature cited by the submitters: PubMed 36137062 (cited by Variantyx, Inc.); PubMed 23176824 (cited by Labcorp Genetics (formerly Invitae), Labcorp); PubMed 25590979 (cited by Labcorp Genetics (formerly Invitae), Labcorp).

NM_014844.5(TECPR2):c.2495_2498dup (p.Cys834fs)

Genes: TECPR2 (tectonin beta-propeller repeat containing 2; plus strand), LOC130056519 (ATAC-STARR-seq lymphoblastoid silent region 6116; plus strand). Cytogenetic location: 14q32.31.
Variant type: Duplication.
Coding change: c.2495_2498dup on transcript NM_014844.5 (MANE Select); coding-DNA positions 2495 to 2498, 4 bases duplicated (TGTT; older notation c.2495_2498dupTGTT).
Protein change: p.Cys834fs; shifts the reading frame from cysteine 834.
Molecular consequence: frameshift variant.
Genome position (GRCh38, 1-based): chr14:102,438,122-102,438,125, TGTT duplicated. VCF-style (leftmost placement, unchanged base first): chr14-102438121-C-CTGTT. GRCh37 (hg19) VCF-style: chr14-102904458-C-CTGTT.
Other names: c.2495_2498dup (NM_014844.3); c.2495_2498dup, p.Cys834fs (NM_001172631.3); c.2495_2498dupTGTT (NM_014844.3); short protein forms C834fs.
Identifiers: ClinVar variation 503675 (VCV000503675.7), dbSNP rs1364819755, ClinGen allele CA616581466.